The following is an entry in ClinVar:

NM_004304.5(ALK):c.3307T>C (p.Ser1103Pro)

Gene: ALK (ALK receptor tyrosine kinase; minus strand). Cytogenetic location: 2p23.2.
Variant type: single nucleotide variant.
Coding change: c.3307T>C on transcript NM_004304.5 (MANE Select); coding-DNA position 3307, T replaced by C.
Protein change: p.Ser1103Pro; replaces serine 1103 with proline.
Molecular consequence: missense variant.
Genome position (GRCh38, 1-based): chr2:29,223,394, A>G on the plus strand (T>C on the coding strand, the complement: ALK is on the minus strand). VCF-style: chr2-29223394-A-G. GRCh37 (hg19) VCF-style: chr2-29446260-A-G.
Other names: c.3307T>C (NM_004304.4); c.103T>C, p.Ser35Pro (NM_001353765.2); short protein forms S1103P, S35P.
Identifiers: ClinVar variation 1017999 (VCV001017999.8), dbSNP rs1669861057, ClinGen allele CA346464783.
Genomic context (GRCh38, chr2:29,223,394, plus strand): 5'-GCGCTCACCGAATGAGGGTGATGTTTTTCCGCGGCACCTCCTTCAGGTCACTGATGGAGG[A>G]GGTCTTGCCAGCAAAGCAGTAGTTGGGGTTGTAGTCGGTCATGATGGTCGAGGTGCGGAG-3'
Protein context (NP_004295.2, residues 1093-1113): NPNYCFAGKT[Ser1103Pro]SISDLKEVPR

ClinVar aggregate classification (germline): Uncertain significance. Review status: criteria provided, multiple submitters, no conflicts (2 of 4 stars). 2 submissions from 2 submitters: Uncertain significance (2). Last evaluated 2025-06-24.

Conditions:
Hereditary cancer-predisposing syndrome. Also called: Tumor predisposition; Hereditary Cancer Syndrome; Neoplastic Syndromes, Hereditary; Hereditary neoplastic syndrome. Identifiers: Orphanet 140162, MedGen C0027672, MeSH D009386, MONDO:0015356.
Neuroblastoma, susceptibility to, 3. Also called: ALK-Related Neuroblastic Tumor Susceptibility. Identifiers: Orphanet 635, MedGen C2751681, MONDO:0013083, OMIM 613014.

Submissions (2):

Labcorp Genetics (formerly Invitae), Labcorp
Classification: Uncertain significance for Neuroblastoma, susceptibility to, 3. Last evaluated: 2025-06-24. Review status: criteria provided, single submitter. Criteria: Invitae Variant Classification Sherloc (09022015). Collection method: clinical testing. Allele origin: germline.
Comment: This sequence change replaces serine, which is neutral and polar, with proline, which is neutral and non-polar, at codon 1103 of the ALK protein (p.Ser1103Pro). This variant is not present in population databases (gnomAD no frequency). This variant has not been reported in the literature in individuals affected with ALK-related conditions. ClinVar contains an entry for this variant (Variation ID: 1017999). An algorithm developed to predict the effect of missense changes on protein structure and function (PolyPhen-2) suggests that this variant is likely to be tolerated. In summary, the available evidence is currently insufficient to determine the role of this variant in disease. Therefore, it has been classified as a Variant of Uncertain Significance.

Ambry Genetics
Classification: Uncertain significance for Hereditary cancer-predisposing syndrome. Last evaluated: 2023-07-15. Review status: criteria provided, single submitter. Criteria: Ambry Variant Classification Scheme 2023. Collection method: clinical testing. Allele origin: germline.
Comment: The p.S1103P variant (also known as c.3307T>C), located in coding exon 20 of the ALK gene, results from a T to C substitution at nucleotide position 3307. The serine at codon 1103 is replaced by proline, an amino acid with similar properties. This amino acid position is conserved. In addition, the in silico prediction for this alteration is inconclusive. Since supporting evidence is limited at this time, the clinical significance of this alteration remains unclear.